The following continues an entry in ClinVar:

NM_000540.3(RYR1):c.14918C>T (p.Pro4973Leu)

Gene: RYR1. ClinVar aggregate classification (germline): Pathogenic/Likely pathogenic. Pathogenic (1); Likely pathogenic (1).

Submissions 17 to 25 of 25:

Knight Diagnostic Laboratories, Oregon Health and Sciences University
Classification: Likely pathogenic for Malignant hyperthermia. Last evaluated: 2019-09-06. Review status: criteria provided, single submitter. Criteria: ACMG Guidelines, 2015. Collection method: clinical testing. Allele origin: germline. Observed: 1 variant allele. Not counted in ClinVar's aggregate classification.

Human Genome Sequencing Center Clinical Lab, Baylor College of Medicine
Classification: Likely pathogenic for Malignant hyperthermia suceptibility 1. Last evaluated: 2018-10-10. Review status: criteria provided, single submitter. Criteria: ACMG Guidelines, 2015. Collection method: clinical testing. Allele origin: germline. Not counted in ClinVar's aggregate classification.
Comment: This c.14918C>T (p.Pro4973Leu) variant in the RYR1 gene has been reported in multiple individuals with susceptibility to malignant hyperthermia and segregates with disease in several families (PMID 12208234, 12411788, 23558838). This variant was also reported in trans with another pathogenic RYR1 variant in one individual affected with centronuclear myopathy (PMID 25957634). In silico analyses of this conserved variant predict damaging consequences on the RYR1 protein. Therefore, this c.14918C>T (p.Pro4973Leu) variant in the RYR1 gene is classified as likely pathogenic.

SIB Swiss Institute of Bioinformatics
Classification: Likely pathogenic for Malignant hyperthermia, susceptibility to, 1. Last evaluated: 2018-05-31. Review status: criteria provided, single submitter. Criteria: ACMG Guidelines, 2015. Collection method: curation. Allele origin: unknown. Not counted in ClinVar's aggregate classification.
Comment: This variant is interpreted as a Likely Pathogenic, for Malignant hyperthermia 1, in Autosomal Dominant manner. The following ACMG Tag(s) were applied: PP3 => Multiple lines of computational evidence support a deleterious effect on the gene or gene product. PP1 => Cosegregation with disease in multiple affected family members in a gene definitively known to cause the disease (PMID:12411788) (PMID:12208234). PM2 => Present in ExAC with allele frequency compatible with incidence of malignant hyperthermia in the general population. PS3 => Well-established functional studies show a deleterious effect (PMID:28687594).

Eurofins Ntd Llc (ga)
Classification: Likely pathogenic. Last evaluated: 2016-12-19. Review status: criteria provided, single submitter. Criteria: EGL Classification Definitions 2015. Collection method: clinical testing. Allele origin: germline. Observed: 2 variant alleles, 2 heterozygotes. Not counted in ClinVar's aggregate classification.

Genetic Services Laboratory, University of Chicago
Classification: Likely pathogenic. Last evaluated: 2015-09-25. Review status: criteria provided, single submitter. Criteria: ACMG Guidelines, 2015. Collection method: clinical testing. Allele origin: germline. Affected: yes. Not counted in ClinVar's aggregate classification.

Juno Genomics, Hangzhou Juno Genomics, Inc
Classification: Likely pathogenic for Malignant hyperthermia, susceptibility to, 1. Review status: criteria provided, single submitter. Criteria: ACMG Guidelines, 2015. Collection method: clinical testing. Allele origin: germline. Not counted in ClinVar's aggregate classification.
Comment: Multiple lines of computational evidence support a deleterious effect on the gene or gene product.;The prevalence of the variant in affected individuals is significantly increased compared to the prevalence in controls.;Co-segregation with disease in multiple affected family members.;Located in a mutational hot spot and/or critical and well-established functional domain without benign variation.

PreventionGenetics, part of Exact Sciences
Classification: Likely pathogenic for RYR1-related condition. Last evaluated: 2024-06-26. Review status: no assertion criteria provided. Collection method: clinical testing. Allele origin: germline. Not counted in ClinVar's aggregate classification.
Comment: The RYR1 c.14918C>T variant is predicted to result in the amino acid substitution p.Pro4973Leu. The c.14918C>T variant has been reported to be causative for malignant hyperthermia (MH) in several different families (Galli et al. 2002. PubMed ID: 12208234; Monnier et al. 2002. PubMed ID: 12411788; Tammaro et al. 2011. PubMed ID: 20681998; Brandom et al. 2013. PubMed ID: 23558838; Miller et al. 2018. PubMed ID: 30236257). In all of the families where it was examined, the c.14918C>T variant segregated with abnormal in vitro muscle contraction. This variant has also been reported in the compound heterozygous state in individuals with autosomal recessive RYR1-related myopathy (Fattori F et al 2015. PubMed ID: 25957634; Brackmann F et al 2017. PubMed ID: 29169929). Miller et al. reported that this variant was significantly more frequent in cases than controls. In a model system functional study, it was reported that this variant resulted in a reduced threshold for Ca++ release (Chen et al. 2017. PubMed ID: 28687594). This variant is reported in 0.0087% of alleles in individuals of Latino descent in gnomAD. This variant has been interpreted by the ClinGen Malignant Hyperthermia Susceptibility Variant Curation Expert Panel as likely pathogenic. This variant is interpreted as likely pathogenic.

CSER _CC_NCGL, University of Washington
Classification: Likely pathogenic for Malignant hyperthermia. Last evaluated: 2014-06-01. Review status: no assertion criteria provided. Collection method: research. Allele origin: germline. Inheritance: Autosomal dominant inheritance. Study: ESP 6500 variant annotation. Not counted in ClinVar's aggregate classification.
Comment: Variants classified for the Actionable exomic incidental findings in 6503 participants: challenges of variant classification manuscript

RYR1 database
No classification provided. Review status: no classification provided. Collection method: not provided. Allele origin: unknown. Not counted in ClinVar's aggregate classification.

Literature cited by the submitters: PubMed 12208234 (cited by 7 submitters); PubMed 12411788 (cited by 9 submitters); PubMed 30236257 (cited by 7 submitters); PubMed 34904211 (cited by Ambry Genetics and Color Diagnostics, LLC DBA Color Health); PubMed 41153347 (cited by Ambry Genetics); PubMed 25957634 (cited by Labcorp Genetics (formerly Invitae), Labcorp and Laboratory for Molecular Medicine, Mass General Brigham Personalized Medicine); PubMed 29169929 (cited by Labcorp Genetics (formerly Invitae), Labcorp and Laboratory for Molecular Medicine, Mass General Brigham Personalized Medicine); PubMed 28687594 (cited by 7 submitters); PubMed 16163667 (cited by 4 submitters); PubMed 23558838 (cited by 4 submitters); PubMed 37787745 (cited by Color Diagnostics, LLC DBA Color Health); PubMed 20681998 (cited by All of Us Research Program, National Institutes of Health and Women's Health and Genetics/Laboratory Corporation of America, LabCorp); PubMed 21118704 (cited by All of Us Research Program, National Institutes of Health); PubMed 25637381 (cited by Laboratory for Molecular Medicine, Mass General Brigham Personalized Medicine); PubMed 19825159 (cited by Laboratory for Molecular Medicine, Mass General Brigham Personalized Medicine); PubMed 16917943 (cited by Laboratory for Molecular Medicine, Mass General Brigham Personalized Medicine); PubMed 34008892 (cited by Laboratory of Medical Genetics, National & Kapodistrian University of Athens).